The following is an entry in ClinVar:

ClinVar aggregate classification (germline): Pathogenic (1 of 4 stars; one submission).

Conditions:
Cohen syndrome (COH1). Also called: Cutis verticis gyrata, retinitis pigmentosa, and sensorineural deafness; PEPPER SYNDROME. Identifiers: Orphanet 193, MedGen C0265223, MONDO:0008999, OMIM 216550.

Submission:

Myriad Genetics, Inc.
Classification: Pathogenic for Cohen syndrome. Last evaluated: 2026-05-29. Review status: criteria provided, single submitter. Criteria: Myriad Autosomal Dominant, Autosomal Recessive and X-Linked Classification Criteria (2023). Collection method: clinical testing. Allele origin: unknown.
Comment: NM_017890.4(VPS13B):c.7183G>T(E2395*) is expected to be pathogenic in the context of Cohen syndrome. This variant is predicted to lead to an abnormal or absent protein product due to the creation of a premature termination codon in VPS13B, a gene where loss-of-function variants are known to be pathogenic. Please note: this variant was assessed in the context of healthy population screening.

NM_152564.5(VPS13B):c.7108G>T (p.Glu2370Ter)

Gene: VPS13B (vacuolar protein sorting 13 homolog B; plus strand). Cytogenetic location: 8q22.2.
Variant type: single nucleotide variant.
Coding change: c.7108G>T on transcript NM_152564.5 (MANE Select); coding-DNA position 7108, G replaced by T.
Protein change: p.Glu2370Ter; replaces glutamic acid 2370 with a stop codon.
Molecular consequence: nonsense.
Genome position (GRCh38, 1-based): chr8:99,766,831, G>T. VCF-style: chr8-99766831-G-T. GRCh37 (hg19) VCF-style: chr8-100779059-G-T.
Other names: c.7183G>T, p.Glu2395Ter (NM_017890.5); short protein forms E2370*, E2395*.
Identifiers: ClinVar variation 5015971 (VCV005015971.1).